The following is an entry in ClinVar:

NM_020312.4(COQ9):c.878C>T (p.Thr293Ile)

Gene: COQ9 (coenzyme Q9; plus strand). Cytogenetic location: 16q21.
Variant type: single nucleotide variant.
Coding change: c.878C>T on transcript NM_020312.4 (MANE Select); coding-DNA position 878, C replaced by T.
Protein change: p.Thr293Ile; replaces threonine 293 with isoleucine.
Molecular consequence: missense variant.
Genome position (GRCh38, 1-based): chr16:57,460,061, C>T. VCF-style: chr16-57460061-C-T. GRCh37 (hg19) VCF-style: chr16-57493973-C-T.
Other names: c.878C>T (NM_020312.3); short protein forms T293I.
Identifiers: ClinVar variation 1360438 (VCV001360438.5), dbSNP rs373431803, ClinGen allele CA8076380.

ClinVar aggregate classification (germline): Uncertain significance. Review status: criteria provided, multiple submitters, no conflicts (2 of 4 stars). 2 submissions from 2 submitters: Uncertain significance (2). Last evaluated 2025-05-07.

Conditions:
Inborn genetic diseases. Identifiers: MedGen C0950123, MeSH D030342.

Allele frequency attached by ClinVar (database versions not stated): gnomAD 0.00005 and 0.00004; ExAC 0.00007; gnomAD exomes 0.00008 and 0.00002; TOPMed 0.00001; 1000 Genomes Project 0.00040.

Submissions (2):

Ambry Genetics
Classification: Uncertain significance for Inborn genetic diseases. Last evaluated: 2025-05-07. Review status: criteria provided, single submitter. Criteria: Ambry Variant Classification Scheme 2023. Collection method: clinical testing. Allele origin: germline.

Labcorp Genetics (formerly Invitae), Labcorp
Classification: Uncertain significance. Last evaluated: 2024-12-07. Review status: criteria provided, single submitter. Criteria: Invitae Variant Classification Sherloc (09022015). Collection method: clinical testing. Allele origin: germline.
Comment: This sequence change replaces threonine, which is neutral and polar, with isoleucine, which is neutral and non-polar, at codon 293 of the COQ9 protein (p.Thr293Ile). This variant is present in population databases (rs373431803, gnomAD 0.1%). This variant has not been reported in the literature in individuals affected with COQ9-related conditions. ClinVar contains an entry for this variant (Variation ID: 1360438). An algorithm developed to predict the effect of missense changes on protein structure and function (PolyPhen-2) suggests that this variant is likely to be disruptive. In summary, the available evidence is currently insufficient to determine the role of this variant in disease. Therefore, it has been classified as a Variant of Uncertain Significance.